The following is an entry in ClinVar:

NM_030665.4(RAI1):c.1775G>C (p.Arg592Pro)

Gene: RAI1 (retinoic acid induced 1; plus strand). Cytogenetic location: 17p11.2.
Variant type: single nucleotide variant.
Coding change: c.1775G>C on transcript NM_030665.4 (MANE Select); coding-DNA position 1775, G replaced by C.
Protein change: p.Arg592Pro; replaces arginine 592 with proline.
Molecular consequence: missense variant.
Genome position (GRCh38, 1-based): chr17:17,794,723, G>C. VCF-style: chr17-17794723-G-C. GRCh37 (hg19) VCF-style: chr17-17698037-G-C.
Other names: short protein forms R592P.
Identifiers: ClinVar variation 1601163 (VCV001601163.14), dbSNP rs141808855, ClinGen allele CA8418398.
Genomic context (GRCh38, chr17:17,794,723, plus strand): 5'-TCCAGAGCCTACACGGCAGTCTGCCGCTCGACAGCTTCTCCAAGTTCGTGGCGGGTGAGC[G>C]GGACTGTCCGCGGCTGCTGCTCAGCGCCCTGGCACAGGAGGACCTGGCCTCCGAGATCCT-3'
Protein context (NP_109590.3, residues 582-602): DSFSKFVAGE[Arg592Pro]DCPRLLLSAL

ClinVar aggregate classification (germline): Benign. Review status: criteria provided, multiple submitters, no conflicts (2 of 4 stars). 3 submissions from 3 submitters: Benign (2). 1 of the submissions does not count toward it. Last evaluated 2026-01-18.

Conditions:
RAI1-related disorder. Also called: RAI1-related condition.
Inborn genetic diseases. Identifiers: MedGen C0950123, MeSH D030342.

Allele frequency attached by ClinVar (database versions not stated): ESP Exome Variant Server 0.00038.
gnomAD v4.1: 293 of 1,611,308 alleles (0.018%); highest among the groups gnomAD compares: Non-Finnish European, 0.023%; no homozygotes.

Submissions (3):

Labcorp Genetics (formerly Invitae), Labcorp
Classification: Benign. Last evaluated: 2026-01-18. Review status: criteria provided, single submitter. Criteria: Invitae Variant Classification Sherloc (09022015). Collection method: clinical testing. Allele origin: germline.

Ambry Genetics
Classification: Benign for Inborn genetic diseases. Last evaluated: 2024-10-03. Review status: criteria provided, single submitter. Criteria: Ambry Variant Classification Scheme 2023. Collection method: clinical testing. Allele origin: germline.

PreventionGenetics, part of Exact Sciences
Classification: Likely benign for RAI1-related condition. Last evaluated: 2021-07-12. Review status: no assertion criteria provided. Collection method: clinical testing. Allele origin: germline. Not counted in ClinVar's aggregate classification.
Comment: This variant is classified as likely benign based on ACMG/AMP sequence variant interpretation guidelines (Richards et al. 2015 PMID: 25741868, with internal and published modifications).